The following is an entry in ClinVar:

ClinVar aggregate classification (germline): Uncertain significance (1 of 4 stars; one submission).

Submission:

Labcorp Genetics (formerly Invitae), Labcorp
Classification: Uncertain significance. Last evaluated: 2025-03-18. Review status: criteria provided, single submitter. Criteria: Invitae Variant Classification Sherloc (09022015). Collection method: clinical testing. Allele origin: germline.
Comment: This variant, c.1298_1300del, results in the deletion of 1 amino acid(s) of the BACH2 protein (p.Phe433del), but otherwise preserves the integrity of the reading frame. This variant is present in population databases (rs758730610, gnomAD 0.0009%). This variant has not been reported in the literature in individuals affected with BACH2-related conditions. Experimental studies and prediction algorithms are not available or were not evaluated, and the functional significance of this variant is currently unknown. In summary, the available evidence is currently insufficient to determine the role of this variant in disease. Therefore, it has been classified as a Variant of Uncertain Significance.

NM_021813.4(BACH2):c.1295TCT[1] (p.Phe433del)

Gene: BACH2 (BACH transcriptional regulator 2; minus strand). Cytogenetic location: 6q15.
Variant type: Microsatellite.
Coding change: c.1295TCT[1] on transcript NM_021813.4 (MANE Select); one copy of the 3-base unit TCT starting at c.1295; the reference has two copies in a row; one copy, 3 bases deleted.
Protein change: p.Phe433del; deletes phenylalanine 433.
Genome position (GRCh38, 1-based): chr6:89,950,806-89,950,808, AGA deleted on the plus strand (TCT on the coding strand, the reverse complement: BACH2 is on the minus strand); deleting any 3 consecutive bases within chr6:89,950,806-89,950,811 gives the same sequence; the position shown is the placement nearest the transcript's 3' end. VCF-style (leftmost placement, unchanged base first): chr6-89950805-GAGA-G. GRCh37 (hg19) VCF-style: chr6-90660524-GAGA-G.
Other names: c.1295TCT[1], p.Phe433del (NM_001170794.2); short protein forms F433del.
Identifiers: ClinVar variation 4812104 (VCV004812104.1).